The following is an entry in ClinVar:

ClinVar aggregate classification (germline): Uncertain significance (1 of 4 stars; one submission).

gnomAD v4.1: 1 of 1,613,982 alleles (0.000062%); highest among the groups gnomAD compares: Non-Finnish European, 0.000085%; no homozygotes.

Submission:

GeneDx
Classification: Uncertain significance. Last evaluated: 2026-03-28. Review status: criteria provided, single submitter. Criteria: GeneDx Variant Classification Process June 2021. Collection method: clinical testing. Allele origin: germline.
Comment: Not observed at significant frequency in large population cohorts (gnomAD); In silico analysis supports that this missense variant has a deleterious effect on protein structure/function; Has not been previously published as pathogenic or benign to our knowledge

NM_001148.6(ANK2):c.866G>A (p.Gly289Asp)

Gene: ANK2 (ankyrin 2; plus strand). Cytogenetic location: 4q26.
Variant type: single nucleotide variant.
Coding change: c.866G>A on transcript NM_001148.6 (MANE Select); coding-DNA position 866, G replaced by A.
Protein change: p.Gly289Asp; replaces glycine 289 with aspartic acid.
Molecular consequence: missense variant.
Genome position (GRCh38, 1-based): chr4:113,242,184, G>A. VCF-style: chr4-113242184-G-A. GRCh37 (hg19) VCF-style: chr4-114163340-G-A.
Other names: c.803G>A, p.Gly268Asp (NM_001127493.3, NM_001354239.2, NM_001354243.2 and 14 more transcripts); c.866G>A, p.Gly289Asp (NM_001354225.2, NM_001354228.2, NM_001354232.2 and 9 more transcripts); c.911G>A, p.Gly304Asp (NM_001354230.2, NM_001354231.2, NM_001354237.2 and 5 more transcripts); c.854G>A, p.Gly285Asp (NM_001354269.3, NM_001386148.2, NM_001386186.2); c.779G>A, p.Gly260Asp (NM_001354271.2, NM_001354274.2, NM_001354276.2 and 16 more transcripts); c.824G>A, p.Gly275Asp (NM_001386160.1, NM_001354261.2, NM_001386147.1); c.917G>A, p.Gly306Asp (NM_001386174.1); c.893G>A, p.Gly298Asp (NM_001386175.1); and 1 more; short protein forms G260D, G268D, G275D, G277D, G285D, G289D, G298D, G304D.
Identifiers: ClinVar variation 5017801 (VCV005017801.1).